The following is an entry in ClinVar:

ClinVar aggregate classification (germline): Uncertain significance (1 of 4 stars; one submission).

Conditions:
Baller-Gerold syndrome (BGS). Also called: CRANIOSYNOSTOSIS WITH RADIAL DEFECTS. Identifiers: Orphanet 1225, MedGen C0265308, MONDO:0009039, OMIM 218600.

Submission:

Labcorp Genetics (formerly Invitae), Labcorp
Classification: Uncertain significance for Baller-Gerold syndrome. Last evaluated: 2022-06-01. Review status: criteria provided, single submitter. Criteria: Invitae Variant Classification Sherloc (09022015). Collection method: clinical testing. Allele origin: germline.
Comment: This variant has not been reported in the literature in individuals affected with RECQL4-related conditions. This variant is not present in population databases (gnomAD no frequency). This sequence change replaces arginine, which is basic and polar, with leucine, which is neutral and non-polar, at codon 696 of the RECQL4 protein (p.Arg696Leu). Experimental studies and prediction algorithms are not available or were not evaluated, and the functional significance of this variant is currently unknown. In summary, the available evidence is currently insufficient to determine the role of this variant in disease. Therefore, it has been classified as a Variant of Uncertain Significance.

NM_004260.4(RECQL4):c.2087G>T (p.Arg696Leu)

Gene: RECQL4 (RecQ like helicase 4; minus strand). Cytogenetic location: 8q24.3.
Variant type: single nucleotide variant.
Coding change: c.2087G>T on transcript NM_004260.4 (MANE Select); coding-DNA position 2087, G replaced by T.
Protein change: p.Arg696Leu; replaces arginine 696 with leucine.
Molecular consequence: missense variant.
Genome position (GRCh38, 1-based): chr8:144,513,684, C>A on the plus strand (G>T on the coding strand, the complement: RECQL4 is on the minus strand). VCF-style: chr8-144513684-C-A. GRCh37 (hg19) VCF-style: chr8-145739068-C-A.
Other names: c.1991G>T, p.Arg664Leu (NM_001413017.1, NM_001413020.1); c.2087G>T, p.Arg696Leu (NM_001413018.1, NM_001413019.1, NM_001413036.1); c.1016G>T, p.Arg339Leu (NM_001413021.1, NM_001413022.1, NM_001413023.1 and 6 more transcripts); c.1958G>T, p.Arg653Leu (NM_001413025.1); c.950G>T, p.Arg317Leu (NM_001413027.1, NM_001413030.1, NM_001413032.1 and 1 more transcripts); c.1736G>T, p.Arg579Leu (NM_001413029.1); c.818G>T, p.Arg273Leu (NM_001413031.1); c.1955G>T, p.Arg652Leu (NM_001413033.1); and 4 more; short protein forms R207L, R329L, R653L, R686L, R317L, R273L, R579L, R664L.
Identifiers: ClinVar variation 2001841 (VCV002001841.4), dbSNP rs1026729951, ClinGen allele CA372680002.
Genomic context (GRCh38, chr8:144,513,684, plus strand): 5'-ATCCGCTCTGTGTCCTCGCGCCGGTTGCAGTAAATGATAATGGAATCGAGGTTTTGAAAA[C>A]GTTTGCCTTGCAGCAGCGTCAACAGTGCCTGATGAGGAGCGGTTGGCGTGGGCAGTGGGG-3'
Protein context (NP_004251.4, residues 686-706): QALLTLLQGK[Arg696Leu]FQNLDSIIIY